The following is an entry in ClinVar:

NM_006231.4(POLE):c.2980C>A (p.Leu994Ile)

Gene: POLE (DNA polymerase epsilon, catalytic subunit; minus strand). Cytogenetic location: 12q24.33.
Variant type: single nucleotide variant.
Coding change: c.2980C>A on transcript NM_006231.4 (MANE Select); coding-DNA position 2980, C replaced by A.
Protein change: p.Leu994Ile; replaces leucine 994 with isoleucine.
Molecular consequence: missense variant.
Genome position (GRCh38, 1-based): chr12:132,661,049, G>T on the plus strand (C>A on the coding strand, the complement: POLE is on the minus strand). VCF-style: chr12-132661049-G-T. GRCh37 (hg19) VCF-style: chr12-133237635-G-T.
Other names: short protein forms L994I.
Identifiers: ClinVar variation 3422198 (VCV003422198.1).

ClinVar aggregate classification (germline): Uncertain significance (1 of 4 stars; one submission).

Conditions:
Hereditary cancer-predisposing syndrome. Also called: Neoplastic Syndromes, Hereditary; Tumor predisposition; Hereditary Cancer Syndrome; Hereditary neoplastic syndrome. Identifiers: Orphanet 140162, MedGen C0027672, MeSH D009386, MONDO:0015356.

Submission:

Ambry Genetics
Classification: Uncertain significance for Hereditary cancer-predisposing syndrome. Last evaluated: 2024-10-19. Review status: criteria provided, single submitter. Criteria: Ambry Variant Classification Scheme 2023. Collection method: clinical testing. Allele origin: germline.
Comment: The p.L994I variant (also known as c.2980C>A), located in coding exon 25 of the POLE gene, results from a C to A substitution at nucleotide position 2980. The leucine at codon 994 is replaced by isoleucine, an amino acid with highly similar properties. This amino acid position is conserved. In addition, this alteration is predicted to be tolerated by in silico analysis. Based on the available evidence, the clinical significance of this variant remains unclear.